The following is an entry in ClinVar:

NM_021800.3(DNAJC12):c.164C>T (p.Thr55Ile)

Gene: DNAJC12 (DnaJ heat shock protein family (Hsp40) member C12; minus strand). Cytogenetic location: 10q21.3.
Variant type: single nucleotide variant.
Coding change: c.164C>T on transcript NM_021800.3 (MANE Select); coding-DNA position 164, C replaced by T.
Protein change: p.Thr55Ile; replaces threonine 55 with isoleucine.
Molecular consequence: missense variant.
Genome position (GRCh38, 1-based): chr10:67,811,657, G>A on the plus strand (C>T on the coding strand, the complement: DNAJC12 is on the minus strand). VCF-style: chr10-67811657-G-A. GRCh37 (hg19) VCF-style: chr10-69571415-G-A.
Other names: c.164C>T, p.Thr55Ile (NM_201262.2); short protein forms T55I.
Identifiers: ClinVar variation 1308740 (VCV001308740.2), dbSNP rs757598102, ClinGen allele CA5520887.

ClinVar aggregate classification (germline): Uncertain significance (1 of 4 stars; one submission).

Allele frequency attached by ClinVar (database versions not stated): TOPMed below 0.00001; gnomAD 0.00001; ExAC 0.00002; gnomAD exomes 0.00002.
gnomAD v4.1: 19 of 1,611,602 alleles (0.0012%); highest among the groups gnomAD compares: South Asian, 0.02%; no homozygotes.

Submission:

GeneDx
Classification: Uncertain significance. Last evaluated: 2019-10-11. Review status: criteria provided, single submitter. Criteria: GeneDx Variant Classification Process June 2021. Collection method: clinical testing. Allele origin: germline. Affected: yes.
Comment: Not observed at a significant frequency in large population cohorts (Lek et al., 2016); In silico analysis, which includes protein predictors and evolutionary conservation, supports that this variant does not alter protein structure/function; Has not been previously published as pathogenic or benign to our knowledge